The following is an entry in ClinVar:

ClinVar aggregate classification (germline): Uncertain significance (1 of 4 stars; one submission).

Allele frequency attached by ClinVar (database versions not stated): ExAC 0.00001; gnomAD exomes 0.00001.
gnomAD v4.1: 3 of 1,612,664 alleles (0.00019%); highest among the groups gnomAD compares: Admixed American, 0.0017%; no homozygotes.

Submission:

Labcorp Genetics (formerly Invitae), Labcorp
Classification: Uncertain significance. Last evaluated: 2024-05-06. Review status: criteria provided, single submitter. Criteria: Invitae Variant Classification Sherloc (09022015). Collection method: clinical testing. Allele origin: germline.
Comment: This sequence change falls in intron 6 of the ADIPOR1 gene. It does not directly change the encoded amino acid sequence of the ADIPOR1 protein. It affects a nucleotide within the consensus splice site. This variant is present in population databases (rs753379357, gnomAD 0.003%). This variant has not been reported in the literature in individuals affected with ADIPOR1-related conditions. Variants that disrupt the consensus splice site are a relatively common cause of aberrant splicing (PMID: 17576681, 9536098). Algorithms developed to predict the effect of sequence changes on RNA splicing suggest that this variant is not likely to affect RNA splicing. In summary, the available evidence is currently insufficient to determine the role of this variant in disease. Therefore, it has been classified as a Variant of Uncertain Significance.

Literature cited by the submitters: PubMed 17576681; PubMed 9536098.

NM_015999.6(ADIPOR1):c.805+4G>T

Gene: ADIPOR1 (adiponectin receptor 1; minus strand). Cytogenetic location: 1q32.1.
Variant type: single nucleotide variant.
Coding change: c.805+4G>T on transcript NM_015999.6 (MANE Select); 4 bases into the intron after coding-DNA position 805, G replaced by T.
Molecular consequence: intron variant.
Genome position (GRCh38, 1-based): chr1:202,943,754, C>A on the plus strand (G>T on the coding strand, the complement: ADIPOR1 is on the minus strand). VCF-style: chr1-202943754-C-A. GRCh37 (hg19) VCF-style: chr1-202912882-C-A.
Other names: c.805+4G>T (NM_001290629.1, NM_001290557.1, NM_001290553.2).
Identifiers: ClinVar variation 2879965 (VCV002879965.3), dbSNP rs753379357, ClinGen allele CA1335902.